The following is an entry in ClinVar:

NM_001368067.1(LDB3):c.478A>G (p.Met160Val)

Genes: LDB3 (LIM domain binding 3; plus strand), LOC110121486 (VISTA enhancer hs2143; plus strand). Cytogenetic location: 10q23.2.
Variant type: single nucleotide variant.
Coding change: c.478A>G on transcript NM_001368067.1 (MANE Plus Clinical); coding-DNA position 478, A replaced by G.
Protein change: p.Met160Val; replaces methionine 160 with valine.
Molecular consequence: missense variant. On other transcripts: intron variant (5).
Genome position (GRCh38, 1-based): chr10:86,687,202, A>G. VCF-style: chr10-86687202-A-G. GRCh37 (hg19) VCF-style: chr10-88446959-A-G.
Other names: c.478A>G, p.Met160Val (NM_001080114.2, NM_001080116.1, NM_001368066.1 and 1 more transcripts); c.823A>G, p.Met275Val (NM_001171610.2, NM_001171611.2); c.690-4694A>G (NM_001368064.1, NM_001368063.1, NM_007078.3 and 2 more transcripts); short protein forms M160V, M275V.
Identifiers: ClinVar variation 4698739 (VCV004698739.1).

ClinVar aggregate classification (germline): Uncertain significance (1 of 4 stars; one submission).

Conditions:
Myofibrillar myopathy 4. Also called: Zaspopathy (type). Identifiers: Orphanet 98912, MedGen C4721886, MONDO:0012277, OMIM 609452.

gnomAD v4.1: 4 of 1,614,092 alleles (0.00025%); highest among the groups gnomAD compares: African/African-American, 0.0013%; no homozygotes.

Submission:

Labcorp Genetics (formerly Invitae), Labcorp
Classification: Uncertain significance for Myofibrillar myopathy 4. Last evaluated: 2025-12-03. Review status: criteria provided, single submitter. Criteria: Invitae Variant Classification Sherloc (09022015). Collection method: clinical testing. Allele origin: germline.
Comment: This sequence change replaces methionine, which is neutral and non-polar, with valine, which is neutral and non-polar, at codon 160 of the LDB3 protein (p.Met160Val). This variant is not present in population databases (gnomAD no frequency). This variant has not been reported in the literature in individuals affected with LDB3-related conditions. An algorithm developed to predict the effect of missense changes on protein structure and function (PolyPhen-2) suggests that this variant is likely to be tolerated. In summary, the available evidence is currently insufficient to determine the role of this variant in disease. Therefore, it has been classified as a Variant of Uncertain Significance.